The following is an entry in ClinVar:

NM_005477.3(HCN4):c.2438G>T (p.Gly813Val)

Gene: HCN4 (hyperpolarization activated cyclic nucleotide gated potassium channel 4; minus strand). Cytogenetic location: 15q24.1.
Variant type: single nucleotide variant.
Coding change: c.2438G>T on transcript NM_005477.3 (MANE Select); coding-DNA position 2438, G replaced by T.
Protein change: p.Gly813Val; replaces glycine 813 with valine.
Molecular consequence: missense variant.
Genome position (GRCh38, 1-based): chr15:73,323,655, C>A on the plus strand (G>T on the coding strand, the complement: HCN4 is on the minus strand). VCF-style: chr15-73323655-C-A. GRCh37 (hg19) VCF-style: chr15-73615996-C-A.
Other names: short protein forms G813V.
Identifiers: ClinVar variation 1791261 (VCV001791261.2), dbSNP rs2549069012, ClinGen allele CA393088892.
Genomic context (GRCh38, chr15:73,323,655, plus strand): 5'-ATCAGGGACTGCAGCCGTTTCAGGTGCCTTGGCGTCTGCCCGGCACCGAGGTTGCCCAGC[C>A]CAGATCCTGGGGGAGGGCGGAAGATGGCAGCAGGCAGGCGAGGGTGGTGGGTGAGGGCTA-3'
Protein context (NP_005468.1, residues 803-823): AAIFRPPPGS[Gly813Val]LGNLGAGQTP

ClinVar aggregate classification (germline): Uncertain significance (1 of 4 stars; one submission).

Conditions:
Cardiovascular phenotype. Identifiers: MedGen CN230736.

Submission:

Ambry Genetics
Classification: Uncertain significance for Cardiovascular phenotype. Last evaluated: 2021-06-10. Review status: criteria provided, single submitter. Criteria: Ambry Variant Classification Scheme 2023. Collection method: clinical testing. Allele origin: germline.
Comment: The p.G813V variant (also known as c.2438G>T), located in coding exon 8 of the HCN4 gene, results from a G to T substitution at nucleotide position 2438. The glycine at codon 813 is replaced by valine, an amino acid with dissimilar properties. This amino acid position is not well conserved in available vertebrate species, and valine is the reference amino acid in other vertebrate species. In addition, this alteration is predicted to be tolerated by in silico analysis. Since supporting evidence is limited at this time, the clinical significance of this alteration remains unclear.